The following is an entry in ClinVar:

NM_000302.4(PLOD1):c.643+8G>T

Gene: PLOD1 (procollagen-lysine,2-oxoglutarate 5-dioxygenase 1; plus strand). Cytogenetic location: 1p36.22.
Variant type: single nucleotide variant.
Coding change: c.643+8G>T on transcript NM_000302.4 (MANE Select); 8 bases into the intron after coding-DNA position 643, G replaced by T.
Molecular consequence: intron variant.
Genome position (GRCh38, 1-based): chr1:11,954,901, G>T. VCF-style: chr1-11954901-G-T. GRCh37 (hg19) VCF-style: chr1-12014958-G-T.
Other names: c.643+8G>T (NM_000302.3); c.784+8G>T (NM_001316320.2).
Identifiers: ClinVar variation 1624220 (VCV001624220.10), dbSNP rs768848010, ClinGen allele CA598017.

ClinVar aggregate classification (germline): Likely benign. Review status: criteria provided, single submitter (1 of 4 stars). 2 submissions from 2 submitters: Likely benign (1). 1 of the submissions does not count toward it. Last evaluated 2021-04-12.

Conditions:
Ehlers-Danlos syndrome, kyphoscoliotic type 1 (EDSKSCL1). Also called: PLOD1-Related Kyphoscoliotic Ehlers-Danlos Syndrome; EHLERS-DANLOS SYNDROME, TYPE VIA; Ehlers-Danlos syndrome, hydroxylysine-deficient; EHLERS-DANLOS SYNDROME, OCULAR-SCOLIOTIC TYPE. Identifiers: Orphanet 1900, MedGen C0268342, MONDO:0016002, OMIM 225400. Disease mechanism: loss of function.
PLOD1-related disorder. Also called: PLOD1-related condition.

Allele frequency attached by ClinVar (database versions not stated): ExAC 0.00001; gnomAD 0.00001; gnomAD exomes 0.00001.
gnomAD v4.1: 5 of 1,606,634 alleles (0.00031%); highest among the groups gnomAD compares: Admixed American, 0.005%; no homozygotes.

Submissions (2):

Labcorp Genetics (formerly Invitae), Labcorp
Classification: Likely benign for Ehlers-Danlos syndrome, kyphoscoliotic type 1. Last evaluated: 2021-04-12. Review status: criteria provided, single submitter. Criteria: Invitae Variant Classification Sherloc (09022015). Collection method: clinical testing. Allele origin: germline.

PreventionGenetics, part of Exact Sciences
Classification: Likely benign for PLOD1-related condition. Last evaluated: 2019-05-21. Review status: no assertion criteria provided. Collection method: clinical testing. Allele origin: germline. Not counted in ClinVar's aggregate classification.
Comment: This variant is classified as likely benign based on ACMG/AMP sequence variant interpretation guidelines (Richards et al. 2015 PMID: 25741868, with internal and published modifications).